The following is an entry in ClinVar:

NM_145239.3(PRRT2):c.304del (p.Glu102fs)

Genes: MVP-DT (MVP divergent transcript; minus strand), PRRT2 (proline rich transmembrane protein 2; plus strand). Cytogenetic location: 16p11.2.
Variant type: Deletion.
Coding change: c.304del on transcript NM_145239.3 (MANE Select); coding-DNA position 304, one base deleted (G; older notation c.304delG).
Protein change: p.Glu102fs; shifts the reading frame from glutamic acid 102.
Molecular consequence: frameshift variant.
Genome position (GRCh38, 1-based): chr16:29,813,358, G deleted. VCF-style (leftmost placement, unchanged base first): chr16-29813357-CG-C. GRCh37 (hg19) VCF-style: chr16-29824678-CG-C.
Other names: c.304del, p.Glu102fs (NM_001256442.2, NM_001256443.2); short protein forms E102fs.
Identifiers: ClinVar variation 626000 (VCV000626000.3), dbSNP rs1567379016, ClinGen allele CA913191141.

ClinVar aggregate classification (germline): Likely pathogenic (1 of 4 stars; one submission).

Conditions:
Episodic kinesigenic dyskinesia 1 (EKD1). Also called: PAROXYSMAL KINESIGENIC CHOREOATHETOSIS; PxMD-PRRT2; PRRT2-Related Paroxysmal Kinesigenic Dyskinesia (PKD); DYSTONIA, FAMILIAL PAROXYSMAL; Dystonia 10. Identifiers: Orphanet 98809, MedGen C4552000, MONDO:0100352, OMIM 128200, MONDO:0007494.
Seizures, benign familial infantile, 2 (BFIS2). Also called: CONVULSIONS, BENIGN FAMILIAL INFANTILE, 2. Identifiers: Orphanet 306, MedGen C1853995, MONDO:0011593, OMIM 605751.
Infantile convulsions and choreoathetosis (ICCA). Also called: PAROXYSMAL KINESIGENIC DYSKINESIA WITH INFANTILE CONVULSIONS; PRRT2-Related Paroxysmal Kinesigenic Dyskinesia with Infantile Convulsions (PKD/IC). Identifiers: Orphanet 31709, MedGen C1865926, MONDO:0011178, OMIM 602066.

Submission:

Center for Genomics, Ann and Robert H. Lurie Children's Hospital of Chicago
Classification: Likely pathogenic for Infantile convulsions and choreoathetosis; Seizures, benign familial infantile, 2; Episodic kinesigenic dyskinesia 1. Review status: criteria provided, single submitter. Criteria: ACMG Guidelines, 2015. Collection method: clinical testing. Allele origin: germline.
Comment: PRRT2 NM_145239.2 exon 2 p.Glu102Lysfs*13 (c.304delG): This variant has not been reported in the literature and is not present in large control databases. Evolutionary conservation and computational predictive tools for this variant are limited or unavailable. This variant is a deletion of one nucleotide and creates a premature stop codon 13 amino acids downstream from this location which results in an absent or abnormal protein. Loss of function variants are a known mechanism of disease for this gene (Ebrahimi-Fakhari 2015 PMID:26598493). In summary, data on this variant is highly suspicious for disease, but requires further evidence for pathogenicity. Therefore, this variant is classified as Likely Pathogenic .